The following is an entry in ClinVar:

ClinVar aggregate classification (germline): Conflicting classifications of pathogenicity. Review status: criteria provided, conflicting classifications (1 of 4 stars). 2 submissions from 2 submitters: Likely pathogenic (1); Uncertain significance (1). Last evaluated 2025-07-15.

Conditions:
Febrile seizures, familial, 8 (FEB8). Also called: CONVULSIONS, FAMILIAL FEBRILE, 8. Identifiers: Orphanet 36387, MedGen C1969810, MONDO:0011891, OMIM 607681.
EPILEPSY, CHILDHOOD ABSENCE, SUSCEPTIBILITY TO, 2 (ECA2). Identifiers: Orphanet 64280, MedGen C1843244, OMIM 607681.

Submissions (2):

Labcorp Genetics (formerly Invitae), Labcorp
Classification: Likely pathogenic for Febrile seizures, familial, 8; EPILEPSY, CHILDHOOD ABSENCE, SUSCEPTIBILITY TO, 2. Last evaluated: 2025-07-15. Review status: criteria provided, single submitter. Criteria: Invitae Variant Classification Sherloc (09022015). Collection method: clinical testing. Allele origin: germline.
Comment: This sequence change replaces methionine, which is neutral and non-polar, with valine, which is neutral and non-polar, at codon 199 of the GABRG2 protein (p.Met199Val). This variant is present in population databases (rs749764060, gnomAD 0.0009%). This missense change has been observed in individual(s) with familial febrile seizures (PMID: 27066572). It has also been observed to segregate with disease in related individuals. ClinVar contains an entry for this variant (Variation ID: 3360102). Invitae Evidence Modeling of protein sequence and biophysical properties (such as structural, functional, and spatial information, amino acid conservation, physicochemical variation, residue mobility, and thermodynamic stability) indicates that this missense variant is expected to disrupt GABRG2 protein function with a positive predictive value of 95%. Experimental studies have shown that this missense change does not substantially affect GABRG2 function (PMID: 40570274). In summary, the currently available evidence indicates that the variant is pathogenic, but additional data are needed to prove that conclusively. Therefore, this variant has been classified as Likely Pathogenic.

GeneDx
Classification: Uncertain significance. Last evaluated: 2025-01-09. Review status: criteria provided, single submitter. Criteria: GeneDx Variant Classification Process June 2021. Collection method: clinical testing. Allele origin: germline.
Comment: Reported previously in a father and his two children with epilepsy (PMID: 27066572); Not observed at significant frequency in large population cohorts (gnomAD); In silico analysis supports that this missense variant has a deleterious effect on protein structure/function; This variant is associated with the following publications: (PMID: 27066572, 39143639, 39228214)

Literature cited by the submitters: PubMed 27066572 (cited by Labcorp Genetics (formerly Invitae), Labcorp); PubMed 40570274 (cited by Labcorp Genetics (formerly Invitae), Labcorp).

NM_198904.4(GABRG2):c.595A>G (p.Met199Val)

Gene: GABRG2 (gamma-aminobutyric acid type A receptor subunit gamma2; plus strand). Cytogenetic location: 5q34.
Variant type: single nucleotide variant.
Coding change: c.595A>G on transcript NM_198904.4 (MANE Select); coding-DNA position 595, A replaced by G.
Protein change: p.Met199Val; replaces methionine 199 with valine.
Molecular consequence: missense variant.
Genome position (GRCh38, 1-based): chr5:162,101,281, A>G. VCF-style: chr5-162101281-A-G. GRCh37 (hg19) VCF-style: chr5-161528287-A-G.
Other names: c.595A>G, p.Met199Val (NM_000816.3, NM_001375340.1, NM_001375341.1 and 4 more transcripts); c.586A>G, p.Met196Val (NM_001375339.1); c.529A>G, p.Met177Val (NM_001375345.1, NM_001375346.1); c.508A>G, p.Met170Val (NM_001375347.1); c.175A>G, p.Met59Val (NM_001375348.1, NM_001375350.1); c.310A>G, p.Met104Val (NM_001375349.1); short protein forms M104V, M170V, M177V, M196V, M199V, M59V.
Identifiers: ClinVar variation 3360102 (VCV003360102.3).